The following is an entry in ClinVar:

NR_199791.1(RNU2-2):n.8C>T

Genes: RNU2-2 (RNA, U2 small nuclear 2; minus strand), WDR74 (WD repeat domain 74; minus strand). Cytogenetic location: 11q12.3.
Variant type: single nucleotide variant.
Molecular consequence: non-coding transcript variant (on NR_199791.1). On other transcripts: 5 prime UTR variant (1).
Genome position: GRCh38 VCF-style: chr11-62841802-G-A. GRCh37 (hg19) VCF-style: chr11-62609274-G-A.
Other names: c.-531C>T (NM_001369451.1).
Identifiers: ClinVar variation 4540510 (VCV004540510.1).

ClinVar aggregate classification (germline): Likely pathogenic (1 of 4 stars; one submission).

Conditions:
RNU2-2 related disorder.

gnomAD v4.1: 1 of 152,348 alleles (0.00066%); highest among the groups gnomAD compares: African/African-American, 0.0024%; no homozygotes.

Submission:

Institute for Human Genetics, University Hospital Essen
Classification: Likely pathogenic for RNU2-2 related disorder. Last evaluated: 2025-11-27. Review status: criteria provided, single submitter. Criteria: Submitter's publication. Collection method: clinical testing. Allele origin: de novo. Inheritance: Autosomal unknown. Affected: yes. Observed: 1 variant allele, 1 heterozygote.
Comment: PS2_supp, PS4_mod, PM1, PM2_supp, PM3 (criteria rationale detailed in Leitão et al. Nature Genetics 2026)